The following is an entry in ClinVar:

ClinVar aggregate classification (germline): Likely benign. Review status: criteria provided, multiple submitters, no conflicts (2 of 4 stars). 2 submissions from 2 submitters: Likely benign (2). Last evaluated 2026-04-28.

Conditions:
Hereditary sensory and autonomic neuropathy type 6. Also called: HSAN VI; Neuropathy, hereditary sensory and autonomic, type VI. Identifiers: Orphanet 314381, MedGen C3539003, MONDO:0013839, OMIM 614653.
Epidermolysis bullosa simplex 3, localized or generalized intermediate, with BP230 deficiency (EBS3). Also called: Epidermolysis bullosa simplex, autosomal recessive 2; Epidermolysis bullosa simplex due to BP230 deficiency. Identifiers: Orphanet 412181, MedGen C3809470, MONDO:0014180, OMIM 615425.
DST-related disorder. Also called: DST-related condition; DST-related disorders.

Allele frequency attached by ClinVar (database versions not stated): TOPMed 0.00013; gnomAD 0.00016 and 0.00017; ESP Exome Variant Server 0.00017; gnomAD exomes 0.00017 and 0.00026; ExAC 0.00018; 1000 Genomes Project 0.00040; 1000 Genomes Project 30x 0.00062.
gnomAD v4.1: 396 of 1,613,226 alleles (0.025%); highest among the groups gnomAD compares: Non-Finnish European, 0.031%; no homozygotes.

Submissions (2):

PreventionGenetics, part of Exact Sciences
Classification: Likely benign for DST-related condition. Last evaluated: 2026-04-28. Review status: criteria provided, single submitter. Criteria: ACMG Guidelines, 2015. Collection method: clinical testing. Allele origin: germline.
Comment: This variant is classified as likely benign based on ACMG/AMP sequence variant interpretation guidelines (Richards et al. 2015 PMID: 25741868, with internal and published modifications).

Labcorp Genetics (formerly Invitae), Labcorp
Classification: Likely benign for Epidermolysis bullosa simplex 3, localized or generalized intermediate, with BP230 deficiency; Hereditary sensory and autonomic neuropathy type 6. Last evaluated: 2025-09-01. Review status: criteria provided, single submitter. Criteria: Invitae Variant Classification Sherloc (09022015). Collection method: clinical testing. Allele origin: germline.

NM_001374736.1(DST):c.12834G>A (p.Ala4278=)

Gene: DST (dystonin; minus strand). Cytogenetic location: 6p12.1.
Variant type: single nucleotide variant.
Coding change: c.12834G>A on transcript NM_001374736.1 (MANE Select); coding-DNA position 12834, G replaced by A.
Protein change: p.Ala4278=; no amino-acid change (alanine 4278 retained).
Molecular consequence: synonymous variant.
Genome position (GRCh38, 1-based): chr6:56,592,251, C>T on the plus strand (G>A on the coding strand, the complement: DST is on the minus strand). VCF-style: chr6-56592251-C-T. GRCh37 (hg19) VCF-style: chr6-56457049-C-T.
Other names: c.6477G>A, p.Ala2159= (NM_001144769.5); c.6063G>A, p.Ala2021= (NM_001144770.2); c.12834G>A, p.Ala4278= (NM_001374722.1); c.12201G>A, p.Ala4067= (NM_001374729.1); c.5943G>A, p.Ala1981= (NM_001374730.1, NM_001386100.1, NM_183380.4); c.12861G>A, p.Ala4287= (NM_001374734.1); c.4965G>A, p.Ala1655= (NM_015548.5); c.6477G>A (NM_001144769.2).
Identifiers: ClinVar variation 1089491 (VCV001089491.10), dbSNP rs200168835, ClinGen allele CA3868382.
Genomic context (GRCh38, chr6:56,592,251, plus strand): 5'-TTCTAATTGCCTTTGAAGATTTTTGGGGTCCACCGCAATAGGTTCAGATAAGTGTTTGCT[C>T]GCTGTGGCCTCACAGGCCTGGAGTCCAGCAAGAAGTCCACATGAAGCATCTTCATAGTGT-3'
Protein context (NP_001361665.1, residues 4268-4288): LAGLQACEAT[Ala4278=]SKHLSEPIAV